The following is an entry in ClinVar:

ClinVar aggregate classification (germline): Likely pathogenic (1 of 4 stars; one submission).

Submission:

Dasa
Classification: Likely pathogenic. Last evaluated: 2025-01-24. Review status: criteria provided, single submitter. Criteria: DASA Assertion Criteria. Collection method: clinical testing. Allele origin: germline.
Comment: NM_020812.4(DOCK6):c.100dup (p.His34Profs*16) is a frameshift variant in DOCK6 predicted to alter the reading frame and introduce a premature termination codon and is predicted to result in an absent or altered protein product. Loss of function is an established disease mechanism for DOCK6-associated disorders. Also, this variant is rare in population databases. Based on the currently available evidence, this variant is classified as likely pathogenic.

NM_020812.4(DOCK6):c.100dup (p.His34fs)

Gene: DOCK6 (dedicator of cytokinesis 6; minus strand). Cytogenetic location: 19p13.2.
Variant type: Duplication.
Coding change: c.100dup on transcript NM_020812.4 (MANE Select); coding-DNA position 100, one base duplicated (C; older notation c.100dupC).
Protein change: p.His34fs; shifts the reading frame from histidine 34.
Molecular consequence: frameshift variant.
Genome position (GRCh38, 1-based): chr19:11,253,671, G duplicated on the plus strand (C on the coding strand, the reverse complement: DOCK6 is on the minus strand); the first of 6 consecutive G bases (chr19:11,253,671-11,253,676); duplicating any one gives the same sequence. VCF-style (leftmost placement, unchanged base first): chr19-11253670-T-TG. GRCh37 (hg19) VCF-style: chr19-11364346-T-TG.
Other names: c.100dup, p.His34fs (NM_001367830.1); short protein forms H34fs.
Identifiers: ClinVar variation 4886518 (VCV004886518.2).